The following is an entry in ClinVar:

ClinVar aggregate classification (germline): Uncertain significance (1 of 4 stars; one submission).

Allele frequency attached by ClinVar (database versions not stated): gnomAD 0.00007 and 0.00008; TOPMed 0.00008; ExAC 0.00012; gnomAD exomes 0.00012 and 0.00013; 1000 Genomes Project 0.00020; 1000 Genomes Project 30x 0.00031.
gnomAD v4.1: 188 of 1,598,728 alleles (0.012%); highest among the groups gnomAD compares: Middle Eastern, 0.066%; no homozygotes.

Submission:

Labcorp Genetics (formerly Invitae), Labcorp
Classification: Uncertain significance. Last evaluated: 2024-11-05. Review status: criteria provided, single submitter. Criteria: Invitae Variant Classification Sherloc (09022015). Collection method: clinical testing. Allele origin: germline.
Comment: This sequence change replaces glycine, which is neutral and non-polar, with glutamic acid, which is acidic and polar, at codon 93 of the PLEKHG2 protein (p.Gly93Glu). This variant is present in population databases (rs200867987, gnomAD 0.02%). This variant has not been reported in the literature in individuals affected with PLEKHG2-related conditions. ClinVar contains an entry for this variant (Variation ID: 1425193). An algorithm developed to predict the effect of missense changes on protein structure and function outputs the following: PolyPhen-2: "Benign". The glutamic acid amino acid residue is found in multiple mammalian species, which suggests that this missense change does not adversely affect protein function. In summary, the available evidence is currently insufficient to determine the role of this variant in disease. Therefore, it has been classified as a Variant of Uncertain Significance.

NM_022835.3(PLEKHG2):c.278G>A (p.Gly93Glu)

Gene: PLEKHG2 (pleckstrin homology and RhoGEF domain containing G2; plus strand). Cytogenetic location: 19q13.2.
Variant type: single nucleotide variant.
Coding change: c.278G>A on transcript NM_022835.3 (MANE Select); coding-DNA position 278, G replaced by A.
Protein change: p.Gly93Glu; replaces glycine 93 with glutamic acid.
Molecular consequence: missense variant. On other transcripts: intron variant (1).
Genome position (GRCh38, 1-based): chr19:39,415,160, G>A. VCF-style: chr19-39415160-G-A. GRCh37 (hg19) VCF-style: chr19-39905800-G-A.
Other names: c.278G>A, p.Gly93Glu (NM_001351694.2); c.110-9G>A (NM_001351693.2); short protein forms G93E.
Identifiers: ClinVar variation 1425193 (VCV001425193.4), dbSNP rs200867987, ClinGen allele CA9429015.